The following is an entry in ClinVar:

NM_014053.4(FLVCR1):c.369T>A (p.Phe123Leu)

Gene: FLVCR1 (FLVCR choline and heme transporter 1; plus strand). Cytogenetic location: 1q32.3.
Variant type: single nucleotide variant.
Coding change: c.369T>A on transcript NM_014053.4 (MANE Select); coding-DNA position 369, T replaced by A.
Protein change: p.Phe123Leu; replaces phenylalanine 123 with leucine.
Molecular consequence: missense variant.
Genome position (GRCh38, 1-based): chr1:212,858,821, T>A. VCF-style: chr1-212858821-T-A. GRCh37 (hg19) VCF-style: chr1-213032163-T-A.
Other names: c.369T>A (NM_014053.3); short protein forms F123L.
Identifiers: ClinVar variation 999892 (VCV000999892.9), dbSNP rs1189460003, ClinGen allele CA344795898.

ClinVar aggregate classification (germline): Uncertain significance. Review status: criteria provided, multiple submitters, no conflicts (2 of 4 stars). 2 submissions from 2 submitters: Uncertain significance (2). Last evaluated 2021-07-23.

Conditions:
Inborn genetic diseases. Identifiers: MedGen C0950123, MeSH D030342.

Allele frequency attached by ClinVar (database versions not stated): TOPMed 0.00001.
gnomAD v4.1: 2 of 1,614,184 alleles (0.00012%); highest among the groups gnomAD compares: Non-Finnish European, 0.00017%; no homozygotes.

Submissions (2):

Ambry Genetics
Classification: Uncertain significance for Inborn genetic diseases. Last evaluated: 2021-07-23. Review status: criteria provided, single submitter. Criteria: Ambry Variant Classification Scheme 2023. Collection method: clinical testing. Allele origin: germline.

Labcorp Genetics (formerly Invitae), Labcorp
Classification: Uncertain significance. Last evaluated: 2020-10-07. Review status: criteria provided, single submitter. Criteria: Invitae Variant Classification Sherloc (09022015). Collection method: clinical testing. Allele origin: germline.
Comment: In summary, the available evidence is currently insufficient to determine the role of this variant in disease. Therefore, it has been classified as a Variant of Uncertain Significance. Algorithms developed to predict the effect of missense changes on protein structure and function (SIFT, PolyPhen-2, Align-GVGD) all suggest that this variant is likely to be tolerated, but these predictions have not been confirmed by published functional studies and their clinical significance is uncertain. This variant has not been reported in the literature in individuals with FLVCR1-related conditions. This variant is not present in population databases (ExAC no frequency). This sequence change replaces phenylalanine with leucine at codon 123 of the FLVCR1 protein (p.Phe123Leu). The phenylalanine residue is moderately conserved and there is a small physicochemical difference between phenylalanine and leucine.